The following is an entry in ClinVar:

ClinVar aggregate classification (germline): Likely benign (1 of 4 stars; one submission).

Submission:

CeGaT Center for Human Genetics Tuebingen
Classification: Likely benign. Last evaluated: 2025-10-01. Review status: criteria provided, single submitter. Criteria: CeGaT Center For Human Genetics Tuebingen Variant Classification Criteria Version 2. Collection method: clinical testing. Allele origin: germline. Affected: yes. Observed: 1 variant allele.
Comment: DENND5B: BP4, BP7

NM_144973.4(DENND5B):c.128-4547C>T

Gene: DENND5B (DENN domain containing 5B; minus strand). Cytogenetic location: 12p11.21.
Variant type: single nucleotide variant.
Coding change: c.128-4547C>T on transcript NM_144973.4 (MANE Select); 4547 bases into the intron before coding-DNA position 128, C replaced by T.
Molecular consequence: intron variant. On other transcripts: synonymous variant (1).
Genome position (GRCh38, 1-based): chr12:31,500,466, G>A on the plus strand (C>T on the coding strand, the complement: DENND5B is on the minus strand). VCF-style: chr12-31500466-G-A. GRCh37 (hg19) VCF-style: chr12-31653400-G-A.
Other names: c.93C>T, p.Thr31= (NM_001308339.2); c.128-795C>T (NM_001366890.1, NM_001366893.1); c.128-4547C>T (NM_001366891.1, NM_001366892.1).
Identifiers: ClinVar variation 4533828 (VCV004533828.6).